The following is an entry in ClinVar:

ClinVar aggregate classification (germline): Benign/Likely benign. Review status: criteria provided, multiple submitters, no conflicts (2 of 4 stars). 2 submissions from 2 submitters: Benign (1); Likely benign (1). Last evaluated 2025-05-07.

Allele frequency attached by ClinVar (database versions not stated): gnomAD 0.00001 and 0.00011; TOPMed 0.00003; gnomAD exomes 0.00009 and 0.00019; ExAC 0.00030; 1000 Genomes Project 0.00060; 1000 Genomes Project 30x 0.00062.
gnomAD v4.1: 125 of 1,369,680 alleles (0.0091%); highest among the groups gnomAD compares: South Asian, 0.2%; no homozygotes.

Submissions (2):

Labcorp Genetics (formerly Invitae), Labcorp
Classification: Benign. Last evaluated: 2025-05-07. Review status: criteria provided, single submitter. Criteria: Invitae Variant Classification Sherloc (09022015). Collection method: clinical testing. Allele origin: germline.

CeGaT Center for Human Genetics Tuebingen
Classification: Likely benign. Last evaluated: 2025-05-01. Review status: criteria provided, single submitter. Criteria: CeGaT Center For Human Genetics Tuebingen Variant Classification Criteria Version 2. Collection method: clinical testing. Allele origin: germline. Affected: yes. Observed: 1 variant allele.
Comment: RNF13: BP4, BP7

NM_183381.3(RNF13):c.693C>T (p.Phe231=)

Gene: RNF13 (ring finger protein 13; plus strand). Cytogenetic location: 3q25.1.
Variant type: single nucleotide variant.
Coding change: c.693C>T on transcript NM_183381.3 (MANE Select); coding-DNA position 693, C replaced by T.
Protein change: p.Phe231=; no amino-acid change (phenylalanine 231 retained).
Molecular consequence: synonymous variant. On other transcripts: non-coding transcript variant (1).
Genome position (GRCh38, 1-based): chr3:149,921,220, C>T. VCF-style: chr3-149921220-C-T. GRCh37 (hg19) VCF-style: chr3-149639007-C-T.
Other names: c.693C>T, p.Phe231= (NM_001378285.1, NM_001378286.1, NM_007282.4); c.336C>T, p.Phe112= (NM_001378287.1, NM_001378288.1, NM_001378289.1 and 2 more transcripts); c.300C>T, p.Phe100= (NM_001378291.1).
Identifiers: ClinVar variation 1586227 (VCV001586227.15), dbSNP rs541786633, ClinGen allele CA2663067.